The following is an entry in ClinVar:

ClinVar aggregate classification (germline): Uncertain significance (1 of 4 stars; one submission).

Conditions:
Dyskeratosis congenita. Identifiers: Orphanet 1775, MedGen C0265965, MONDO:0015780.

Submission:

Ambry Genetics
Classification: Uncertain significance for Dyskeratosis congenita. Last evaluated: 2025-05-19. Review status: criteria provided, single submitter. Criteria: Ambry Variant Classification Scheme 2023. Collection method: clinical testing. Allele origin: germline.
Comment: The p.S255F variant (also known as c.764C>T), located in coding exon 2 of the TERT gene, results from a C to T substitution at nucleotide position 764. The serine at codon 255 is replaced by phenylalanine, an amino acid with highly dissimilar properties. This amino acid position is conserved. In addition, the in silico prediction for this alteration is inconclusive. Based on the available evidence, the clinical significance of this variant remains unclear.

NM_198253.3(TERT):c.764C>T (p.Ser255Phe)

Gene: TERT (telomerase reverse transcriptase; minus strand). Cytogenetic location: 5p15.33.
Variant type: single nucleotide variant.
Coding change: c.764C>T on transcript NM_198253.3 (MANE Select); coding-DNA position 764, C replaced by T.
Protein change: p.Ser255Phe; replaces serine 255 with phenylalanine.
Molecular consequence: missense variant. On other transcripts: non-coding transcript variant (2).
Genome position (GRCh38, 1-based): chr5:1,294,122, G>A on the plus strand (C>T on the coding strand, the complement: TERT is on the minus strand). VCF-style: chr5-1294122-G-A. GRCh37 (hg19) VCF-style: chr5-1294237-G-A.
Other names: c.764C>T, p.Ser255Phe (NM_001193376.3); short protein forms S255F.
Identifiers: ClinVar variation 3967372 (VCV003967372.1).